The following is an entry in ClinVar:

ClinVar aggregate classification (germline): Likely benign. Review status: criteria provided, multiple submitters, no conflicts (2 of 4 stars). 3 submissions from 3 submitters: Likely benign (3). Last evaluated 2026-02-23.

Conditions:
TRPM1-related disorder. Also called: TRPM1-related condition.

Allele frequency attached by ClinVar (database versions not stated): ExAC 0.00007; gnomAD exomes 0.00007 and 0.00008; 1000 Genomes Project 30x 0.00016; ESP Exome Variant Server 0.00016; 1000 Genomes Project 0.00020; TOPMed 0.00020; gnomAD 0.00022 and 0.00024.
gnomAD v4.1: 151 of 1,614,082 alleles (0.0094%); highest among the groups gnomAD compares: African/African-American, 0.069%; no homozygotes.

Submissions (3):

PreventionGenetics, part of Exact Sciences
Classification: Likely benign for TRPM1-related condition. Last evaluated: 2026-02-23. Review status: criteria provided, single submitter. Criteria: ACMG Guidelines, 2015. Collection method: clinical testing. Allele origin: germline.
Comment: This variant is classified as likely benign based on ACMG/AMP sequence variant interpretation guidelines (Richards et al. 2015 PMID: 25741868, with internal and published modifications).

Labcorp Genetics (formerly Invitae), Labcorp
Classification: Likely benign. Last evaluated: 2026-01-12. Review status: criteria provided, single submitter. Criteria: Invitae Variant Classification Sherloc (09022015). Collection method: clinical testing. Allele origin: germline.

Blueprint Genetics
Classification: Likely benign. Last evaluated: 2024-03-12. Review status: criteria provided, single submitter. Criteria: ACMG Guidelines, 2015. Collection method: clinical testing. Allele origin: germline.

NM_001252024.2(TRPM1):c.3207C>T (p.Pro1069=)

Genes: TRPM1 (transient receptor potential cation channel subfamily M member 1; minus strand), TRPM1-AS1 (TRPM1 antisense RNA 1; plus strand). Cytogenetic location: 15q13.3.
Variant type: single nucleotide variant.
Coding change: c.3207C>T on transcript NM_001252024.2 (MANE Select); coding-DNA position 3207, C replaced by T.
Protein change: p.Pro1069=; no amino-acid change (proline 1069 retained).
Molecular consequence: synonymous variant.
Genome position (GRCh38, 1-based): chr15:31,028,418, G>A on the plus strand (C>T on the coding strand, the complement: TRPM1 is on the minus strand). VCF-style: chr15-31028418-G-A. GRCh37 (hg19) VCF-style: chr15-31320621-G-A.
Other names: c.3258C>T, p.Pro1086= (NM_001252020.2); c.3141C>T, p.Pro1047= (NM_002420.6); c.3258C>T (NM_001252020.1).
Identifiers: ClinVar variation 1097337 (VCV001097337.11), dbSNP rs377738000, ClinGen allele CA7451948.
Genomic context (GRCh38, chr15:31,028,418, plus strand): 5'-CAGCAGGATGTTGGCGACCAGTAGATAGCACGCCATGAGTGCTGGAGTGAGCCAGGCGCC[G>A]GGGATACAGGGAGGAAGCCGCTTGCCCTCCTCATCATATAGGTTCTCACCACAAGGAGCT-3'
Protein context (NP_001238953.1, residues 1059-1079): EEGKRLPPCI[Pro1069=]GAWLTPALMA